The following is an entry in ClinVar:

NM_000548.5(TSC2):c.3259del (p.Glu1087fs)

Gene: TSC2 (TSC complex subunit 2; plus strand). Cytogenetic location: 16p13.3.
Variant type: Deletion.
Coding change: c.3259del on transcript NM_000548.5 (MANE Select); coding-DNA position 3259, one base deleted (G; older notation c.3259delG).
Protein change: p.Glu1087fs; shifts the reading frame from glutamic acid 1087.
Molecular consequence: frameshift variant.
Genome position (GRCh38, 1-based): chr16:2,079,403, G deleted; the last of 5 consecutive G bases (chr16:2,079,399-2,079,403); deleting any one gives the same sequence. VCF-style (leftmost placement, unchanged base first): chr16-2079398-CG-C. GRCh37 (hg19) VCF-style: chr16-2129399-CG-C.
Other names: c.3127del, p.Glu1043fs (NM_001077183.3, NM_001370404.1); c.3259del, p.Glu1087fs (NM_001114382.3); c.3019del, p.Glu1007fs (NM_001318827.2); c.2983del, p.Glu995fs (NM_001318829.2); c.2527del, p.Glu843fs (NM_001318831.2); c.3160del, p.Glu1054fs (NM_001318832.2); c.3130del, p.Glu1044fs (NM_001363528.2, NM_001370405.1, NM_021055.3); short protein forms E1044fs, E1054fs, E1087fs, E843fs, E995fs, E1007fs, E1043fs.
Identifiers: ClinVar variation 65025 (VCV000065025.4), dbSNP rs137854302, ClinGen allele CA018774.

ClinVar aggregate classification (germline): Pathogenic/Likely pathogenic. Review status: criteria provided, multiple submitters, no conflicts (2 of 4 stars). 3 submissions from 3 submitters: Pathogenic (1); Likely pathogenic (1). 1 of the submissions does not count toward it. Last evaluated 2025-12-14.

Conditions:
Tuberous sclerosis 2 (TSC2). Identifiers: Orphanet 805, MedGen C1860707, MONDO:0013199, OMIM 613254.
Tuberous sclerosis syndrome (TSC). Also called: Tuberous Sclerosis Complex; Tuberous sclerosis. Identifiers: Orphanet 805, MedGen C0041341, MONDO:0001734.

Submissions (3):

Labcorp Genetics (formerly Invitae), Labcorp
Classification: Pathogenic for Tuberous sclerosis 2. Last evaluated: 2025-12-14. Review status: criteria provided, single submitter. Criteria: Invitae Variant Classification Sherloc (09022015). Collection method: clinical testing. Allele origin: germline.
Comment: This sequence change creates a premature translational stop signal (p.Glu1087Serfs*16) in the TSC2 gene. It is expected to result in an absent or disrupted protein product. Loss-of-function variants in TSC2 are known to be pathogenic (PMID: 10205261, 17304050). This variant is not present in population databases (gnomAD no frequency). This premature translational stop signal has been observed in individual(s) with tuberous sclerosis complex (internal data). ClinVar contains an entry for this variant (Variation ID: 65025). For these reasons, this variant has been classified as Pathogenic.

Genomic Medicine Center of Excellence, King Faisal Specialist Hospital and Research Centre
Classification: Likely pathogenic for Tuberous sclerosis 2. Last evaluated: 2024-03-25. Review status: criteria provided, single submitter. Criteria: ACMG Guidelines, 2015. Collection method: clinical testing. Allele origin: germline.

Tuberous sclerosis database (TSC2)
No classification provided. Condition: TSC. Review status: no classification provided. Criteria: Tuberous Sclerosis Database Assertion Criteria 2015. Collection method: curation. Allele origin: germline. Affected: yes. Not counted in ClinVar's aggregate classification.

Literature cited by the submitters: PubMed 10205261 (cited by Labcorp Genetics (formerly Invitae), Labcorp); PubMed 17304050 (cited by Labcorp Genetics (formerly Invitae), Labcorp).